The following is an entry in ClinVar:

NM_005228.5(EGFR):c.2194A>G (p.Ile732Val)

Gene: EGFR (epidermal growth factor receptor; plus strand). Cytogenetic location: 7p11.2.
Variant type: single nucleotide variant.
Coding change: c.2194A>G on transcript NM_005228.5 (MANE Select); coding-DNA position 2194, A replaced by G.
Protein change: p.Ile732Val; replaces isoleucine 732 with valine.
Molecular consequence: missense variant.
Genome position (GRCh38, 1-based): chr7:55,174,731, A>G. VCF-style: chr7-55174731-A-G. GRCh37 (hg19) VCF-style: chr7-55242424-A-G.
Other names: c.2059A>G, p.Ile687Val (NM_001346897.2, NM_001346899.2); c.2194A>G, p.Ile732Val (NM_001346898.2); c.2035A>G, p.Ile679Val (NM_001346900.2); c.1393A>G, p.Ile465Val (NM_001346941.2); short protein forms I465V, I679V, I687V, I732V.
Identifiers: ClinVar variation 1517031 (VCV001517031.8), dbSNP rs2128954582, ClinGen allele CA367583974.

ClinVar aggregate classification (germline): Uncertain significance (1 of 4 stars; one submission).

Conditions:
EGFR-related lung cancer (EGFR). Identifiers: MedGen CN130014.

Submission:

Labcorp Genetics (formerly Invitae), Labcorp
Classification: Uncertain significance for EGFR-related lung cancer. Last evaluated: 2021-03-16. Review status: criteria provided, single submitter. Criteria: Invitae Variant Classification Sherloc (09022015). Collection method: clinical testing. Allele origin: germline.
Comment: In summary, the available evidence is currently insufficient to determine the role of this variant in disease. Therefore, it has been classified as a Variant of Uncertain Significance. Algorithms developed to predict the effect of missense changes on protein structure and function (SIFT, PolyPhen-2, Align-GVGD) all suggest that this variant is likely to be tolerated, but these predictions have not been confirmed by published functional studies and their clinical significance is uncertain. This variant has not been reported in the literature in individuals with EGFR-related conditions. This variant is not present in population databases (ExAC no frequency). This sequence change replaces isoleucine with valine at codon 732 of the EGFR protein (p.Ile732Val). The isoleucine residue is moderately conserved and there is a small physicochemical difference between isoleucine and valine.